The following is an entry in ClinVar:

ClinVar aggregate classification (germline): Uncertain significance. Review status: criteria provided, multiple submitters, no conflicts (2 of 4 stars). 5 submissions from 5 submitters: Uncertain significance (4). 1 of the submissions does not count toward it. Last evaluated 2024-11-08.

Conditions:
Hereditary cancer-predisposing syndrome. Also called: Neoplastic Syndromes, Hereditary; Tumor predisposition; Hereditary Cancer Syndrome; Hereditary neoplastic syndrome. Identifiers: Orphanet 140162, MedGen C0027672, MeSH D009386, MONDO:0015356.
Fanconi anemia (FA). Also called: Fanconi's anemia. Identifiers: Orphanet 84, MedGen C0015625, MeSH D005199, MONDO:0019391.
Fanconi anemia complementation group C (FANCC). Also called: FANCONI PANCYTOPENIA, TYPE 3; FACC; Fanconi anemia, group C; FANCC-Related Fanconi Anemia. Identifiers: Orphanet 84, MedGen C3468041, MONDO:0009213, OMIM 227645.

Allele frequency attached by ClinVar (database versions not stated): gnomAD exomes below 0.00001; ExAC 0.00001.
gnomAD v4.1: 1 of 1,614,114 alleles (0.000062%); highest among the groups gnomAD compares: Middle Eastern, 0.016%; no homozygotes.

Submissions (5):

GeneDx
Classification: Uncertain significance. Last evaluated: 2024-11-08. Review status: criteria provided, single submitter. Criteria: GeneDx Variant Classification Process June 2021. Collection method: clinical testing. Allele origin: germline. Affected: yes.
Comment: Not observed at significant frequency in large population cohorts (gnomAD); In silico analysis indicates that this missense variant does not alter protein structure/function; Has not been previously published as pathogenic or benign to our knowledge; This variant is associated with the following publications: (PMID: Gordon2000[Book])

Labcorp Genetics (formerly Invitae), Labcorp
Classification: Uncertain significance for Fanconi anemia. Last evaluated: 2024-03-14. Review status: criteria provided, single submitter. Criteria: Invitae Variant Classification Sherloc (09022015). Collection method: clinical testing. Allele origin: germline.
Comment: This sequence change replaces valine, which is neutral and non-polar, with alanine, which is neutral and non-polar, at codon 379 of the FANCC protein (p.Val379Ala). This variant is not present in population databases (gnomAD no frequency). This variant has not been reported in the literature in individuals affected with FANCC-related conditions. ClinVar contains an entry for this variant (Variation ID: 1000689). Advanced modeling of protein sequence and biophysical properties (such as structural, functional, and spatial information, amino acid conservation, physicochemical variation, residue mobility, and thermodynamic stability) performed at Invitae indicates that this missense variant is not expected to disrupt FANCC protein function with a negative predictive value of 80%. In summary, the available evidence is currently insufficient to determine the role of this variant in disease. Therefore, it has been classified as a Variant of Uncertain Significance.

Ambry Genetics
Classification: Uncertain significance for Hereditary cancer-predisposing syndrome. Last evaluated: 2022-12-18. Review status: criteria provided, single submitter. Criteria: Ambry Variant Classification Scheme 2023. Collection method: clinical testing. Allele origin: germline.
Comment: The p.V379A variant (also known as c.1136T>C), located in coding exon 11 of the FANCC gene, results from a T to C substitution at nucleotide position 1136. The valine at codon 379 is replaced by alanine, an amino acid with similar properties. This amino acid position is well conserved in available vertebrate species. In addition, this alteration is predicted to be tolerated by in silico analysis. Since supporting evidence is limited at this time, the clinical significance of this alteration remains unclear.

Fulgent Genetics
Classification: Uncertain significance for Fanconi anemia complementation group C. Last evaluated: 2021-09-20. Review status: criteria provided, single submitter. Criteria: ACMG Guidelines, 2015. Collection method: clinical testing. Allele origin: unknown.

Natera, Inc.
Classification: Uncertain significance for Fanconi anemia. Last evaluated: 2021-04-05. Review status: no assertion criteria provided. Collection method: clinical testing. Allele origin: germline. Not counted in ClinVar's aggregate classification.

NM_000136.3(FANCC):c.1136T>C (p.Val379Ala)

Genes: AOPEP (aminopeptidase O (putative); plus strand), FANCC (FA complementation group C; minus strand). Cytogenetic location: 9q22.32.
Variant type: single nucleotide variant.
Coding change: c.1136T>C on transcript NM_000136.3 (MANE Select); coding-DNA position 1136, T replaced by C.
Protein change: p.Val379Ala; replaces valine 379 with alanine.
Molecular consequence: missense variant.
Genome position (GRCh38, 1-based): chr9:95,114,647, A>G on the plus strand (T>C on the coding strand, the complement: FANCC is on the minus strand). VCF-style: chr9-95114647-A-G. GRCh37 (hg19) VCF-style: chr9-97876929-A-G.
Other names: c.1136T>C, p.Val379Ala (NM_001243743.2, NM_001243744.2); c.1136T>C (NM_000136.2); short protein forms V379A.
Identifiers: ClinVar variation 1000689 (VCV001000689.16), dbSNP rs745693332, ClinGen allele CA5137454.